The following is an entry in ClinVar:

NM_020442.6(VARS2):c.1436A>G (p.Gln479Arg)

Gene: VARS2 (valyl-tRNA synthetase 2, mitochondrial; plus strand). Cytogenetic location: 6p21.33.
Variant type: single nucleotide variant.
Coding change: c.1436A>G on transcript NM_020442.6 (MANE Select); coding-DNA position 1436, A replaced by G.
Protein change: p.Gln479Arg; replaces glutamine 479 with arginine.
Molecular consequence: missense variant.
Genome position (GRCh38, 1-based): chr6:30,920,706, A>G. VCF-style: chr6-30920706-A-G. GRCh37 (hg19) VCF-style: chr6-30888483-A-G.
Other names: c.1526A>G, p.Gln509Arg (NM_001167734.2); c.1016A>G, p.Gln339Arg (NM_001167733.3); short protein forms Q339R, Q479R, Q509R.
Identifiers: ClinVar variation 1945403 (VCV001945403.6), dbSNP rs1478306971, ClinGen allele CA363173249.

ClinVar aggregate classification (germline): Uncertain significance (1 of 4 stars; one submission).

Submissions (2):

Labcorp Genetics (formerly Invitae), Labcorp
Classification: Uncertain significance. Last evaluated: 2022-02-08. Review status: criteria provided, single submitter. Criteria: Invitae Variant Classification Sherloc (09022015). Collection method: clinical testing. Allele origin: germline.
Comment: In summary, the available evidence is currently insufficient to determine the role of this variant in disease. Therefore, it has been classified as a Variant of Uncertain Significance. Algorithms developed to predict the effect of missense changes on protein structure and function (SIFT, PolyPhen-2, Align-GVGD) all suggest that this variant is likely to be disruptive. This variant has not been reported in the literature in individuals affected with VARS2-related conditions. The frequency data for this variant in the population databases is considered unreliable, as metrics indicate poor data quality at this position in the gnomAD database. This sequence change replaces glutamine, which is neutral and polar, with arginine, which is basic and polar, at codon 509 of the VARS2 protein (p.Gln509Arg).

Dr. Peter K. Rogan Lab, Western University
No classification provided (evidence only). Condition: Acute myeloid leukemia. Review status: no classification provided. Collection method: in vitro. Allele origin: not applicable. Functional consequence: retained intron. Not counted in ClinVar's aggregate classification.